The following is an entry in ClinVar:

NM_144670.6(A2ML1):c.2470A>G (p.Thr824Ala)

Gene: A2ML1 (alpha-2-macroglobulin like 1; plus strand). Cytogenetic location: 12p13.31.
Variant type: single nucleotide variant.
Coding change: c.2470A>G on transcript NM_144670.6 (MANE Select); coding-DNA position 2470, A replaced by G.
Protein change: p.Thr824Ala; replaces threonine 824 with alanine.
Molecular consequence: missense variant.
Genome position (GRCh38, 1-based): chr12:8,852,216, A>G. VCF-style: chr12-8852216-A-G. GRCh37 (hg19) VCF-style: chr12-9004812-A-G.
Other names: c.997A>G, p.Thr333Ala (NM_001282424.3); short protein forms T333A, T824A.
Identifiers: ClinVar variation 861148 (VCV000861148.12), dbSNP rs969030959, ClinGen allele CA232691273.

ClinVar aggregate classification (germline): Uncertain significance. Review status: criteria provided, multiple submitters, no conflicts (2 of 4 stars). 2 submissions from 2 submitters: Uncertain significance (2). Last evaluated 2025-08-24.

Allele frequency attached by ClinVar (database versions not stated): gnomAD exomes below 0.00001; gnomAD 0.00002 and 0.00003; TOPMed 0.00004.
gnomAD v4.1: 11 of 1,613,908 alleles (0.00068%); highest among the groups gnomAD compares: African/African-American, 0.011%; no homozygotes.

Submissions (2):

Ambry Genetics
Classification: Uncertain significance. Last evaluated: 2025-08-24. Review status: criteria provided, single submitter. Criteria: Ambry Variant Classification Scheme 2023. Collection method: clinical testing. Allele origin: germline.

Labcorp Genetics (formerly Invitae), Labcorp
Classification: Uncertain significance. Last evaluated: 2025-05-21. Review status: criteria provided, single submitter. Criteria: Invitae Variant Classification Sherloc (09022015). Collection method: clinical testing. Allele origin: germline.
Comment: This sequence change replaces threonine, which is neutral and polar, with alanine, which is neutral and non-polar, at codon 824 of the A2ML1 protein (p.Thr824Ala). This variant is present in population databases (no rsID available, gnomAD 0.01%). This variant has not been reported in the literature in individuals affected with A2ML1-related conditions. ClinVar contains an entry for this variant (Variation ID: 861148). An algorithm developed to predict the effect of missense changes on protein structure and function outputs the following: PolyPhen-2: "Benign". The alanine amino acid residue is found in multiple mammalian species, which suggests that this missense change does not adversely affect protein function. In summary, the available evidence is currently insufficient to determine the role of this variant in disease. Therefore, it has been classified as a Variant of Uncertain Significance.